The following is an entry in ClinVar:

ClinVar aggregate classification (germline): Benign. Review status: criteria provided, multiple submitters, no conflicts (2 of 4 stars). 13 submissions from 12 submitters: Benign (13). Last evaluated 2026-02-04.

Conditions:
Hereditary cancer-predisposing syndrome. Also called: Neoplastic Syndromes, Hereditary; Tumor predisposition; Hereditary neoplastic syndrome; Hereditary Cancer Syndrome. Identifiers: Orphanet 140162, MedGen C0027672, MeSH D009386, MONDO:0015356.
Holoprosencephaly 7 (HPE7). Identifiers: Orphanet 2162, MedGen C1835820, MONDO:0012562, OMIM 610828.
Gorlin syndrome. Also called: Nevoid Basal Cell Carcinoma Syndrome; Basal cell nevus syndrome. Identifiers: Orphanet 377, MedGen C0004779, MONDO:0007187.

Allele frequency attached by ClinVar (database versions not stated): gnomAD exomes 0.02171 and 0.04071; ExAC 0.04763; gnomAD 0.07091 and 0.07277; ESP Exome Variant Server 0.07381; TOPMed 0.07849; 1000 Genomes Project 0.10503; 1000 Genomes Project 30x 0.10650.
gnomAD v4.1: 43,306 of 1,612,438 alleles (2.7%); highest among the groups gnomAD compares: African/African-American, 20%; 2,220 homozygotes.

Submissions (13):

Labcorp Genetics (formerly Invitae), Labcorp
Classification: Benign for Gorlin syndrome. Last evaluated: 2026-02-04. Review status: criteria provided, single submitter. Criteria: Invitae Variant Classification Sherloc (09022015). Collection method: clinical testing. Allele origin: germline.

Center for Genomic Medicine, Rigshospitalet, Copenhagen University Hospital
Classification: Benign. Last evaluated: 2025-03-04. Review status: criteria provided, single submitter. Criteria: ACMG Guidelines, 2015. Collection method: clinical testing. Allele origin: germline.

Blueprint Genetics
Classification: Benign. Last evaluated: 2024-11-27. Review status: criteria provided, single submitter. Criteria: ACMG Guidelines, 2015. Collection method: clinical testing. Allele origin: germline.

KCCC/NGS Laboratory, Kuwait Cancer Control Center
Classification: Benign for Basal cell nevus syndrome 1. Last evaluated: 2023-07-07. Review status: criteria provided, single submitter. Criteria: ACMG Guidelines, 2015. Collection method: clinical testing. Allele origin: germline. Affected: yes.

Department of Pathology and Laboratory Medicine, Sinai Health System
Classification: Benign for nevoid basal cell carcinoma syndrome. Last evaluated: 2021-07-26. Review status: criteria provided, single submitter. Criteria: ACMG Guidelines, 2015. Collection method: clinical testing. Allele origin: germline. Affected: yes.

Mayo Clinic Laboratories, Mayo Clinic
Classification: Benign. Last evaluated: 2021-04-25. Review status: criteria provided, single submitter. Criteria: ACMG Guidelines, 2015. Collection method: clinical testing. Allele origin: germline. Observed: 8 variant alleles.

Ambry Genetics
Classification: Benign for Hereditary cancer-predisposing syndrome. Last evaluated: 2019-02-19. Review status: criteria provided, single submitter. Criteria: Ambry Variant Classification Scheme 2023. Collection method: clinical testing. Allele origin: germline.

Illumina Laboratory Services, Illumina
Classification: Benign for Holoprosencephaly 7. Last evaluated: 2018-01-13. Review status: criteria provided, single submitter. Criteria: ICSL Variant Classification Criteria 13 December 2019. Collection method: clinical testing. Allele origin: germline.
Comment: This variant was observed in the ICSL laboratory as part of a predisposition screen in an ostensibly healthy population. It had not been previously curated by ICSL or reported in the Human Gene Mutation Database (HGMD: prior to June 1st, 2018), and was therefore a candidate for classification through an automated scoring system. Utilizing variant allele frequency, disease prevalence and penetrance estimates, and inheritance mode, an automated score was calculated to assess if this variant is too frequent to cause the disease. Based on the score and internal cut-off values, a variant classified as benign is not then subjected to further curation. The score for this variant resulted in a classification of benign for this disease.

Illumina Laboratory Services, Illumina
Classification: Benign for Basal cell nevus syndrome 1. Last evaluated: 2018-01-13. Review status: criteria provided, single submitter. Criteria: ICSL Variant Classification Criteria 13 December 2019. Collection method: clinical testing. Allele origin: germline.
Comment: the same text as in the submission from Illumina Laboratory Services, Illumina above.

Women's Health and Genetics/Laboratory Corporation of America, LabCorp
Classification: Benign. Last evaluated: 2016-05-24. Review status: criteria provided, single submitter. Criteria: LabCorp Variant Classification Summary - May 2015. Collection method: clinical testing. Allele origin: germline.
Comment: Variant summary: The PTCH1 c.1504-8T>C variant involves the alteration of a non-conserved intronic nucleotide. One in silico tool predicts a benign outcome for this variant. 5/5 splice prediction tools predict no significant impact on normal splicing. This variant was found in 5281/110876 control chromosomes (329 homozygotes) at a frequency of 0.0476298, which is approximately 2779 times the estimated maximal expected allele frequency of a pathogenic PTCH1 variant (0.0000171), suggesting this variant is likely a benign polymorphism. Taken together, this variant is classified as benign.

GeneDx
Classification: Benign. Last evaluated: 2015-03-03. Review status: criteria provided, single submitter. Criteria: GeneDx Variant Classification Process June 2021. Collection method: clinical testing. Allele origin: germline. Affected: yes.

Breakthrough Genomics
Classification: Benign. Review status: criteria provided, single submitter. Criteria: ACMG Guidelines, 2015. Collection method: not provided. Allele origin: germline. Inheritance: Autosomal dominant inheritance. Affected: yes.

PreventionGenetics, part of Exact Sciences
Classification: Benign. Review status: criteria provided, single submitter. Criteria: ACMG Guidelines, 2015. Collection method: clinical testing. Allele origin: germline.

NM_000264.5(PTCH1):c.1504-8T>C

Gene: PTCH1 (patched 1; minus strand). Cytogenetic location: 9q22.32.
Variant type: single nucleotide variant.
Coding change: c.1504-8T>C on transcript NM_000264.5 (MANE Select); 8 bases into the intron before coding-DNA position 1504, T replaced by C.
Molecular consequence: intron variant.
Genome position (GRCh38, 1-based): chr9:95,476,865, A>G on the plus strand (T>C on the coding strand, the complement: PTCH1 is on the minus strand). VCF-style: chr9-95476865-A-G. GRCh37 (hg19) VCF-style: chr9-98239147-A-G.
Other names: p.?; c.1501-8T>C (NM_001083603.3); c.1306-8T>C (NM_001083602.3); c.1348-8T>C (NM_001354918.2); c.1051-8T>C (NM_001083605.3, NM_001083604.3, NM_001083606.3 and 1 more transcripts).
Identifiers: ClinVar variation 255669 (VCV000255669.27), dbSNP rs2277184, ClinGen allele CA5138630.
Genomic context (GRCh38, chr9:95,476,865, plus strand): 5'-GCCAGAAGAAAAACATCATCCACACCAACACCAAGAGCGAGAAATGGCAAAACCTACAGC[A>G]AAAACAGAGGATGGTGGCATTAGACATGCGAGATGCAATTCAGATGATTCTAAAGCTAGT-3'